The following is an entry in ClinVar:

ClinVar aggregate classification (germline): Uncertain significance. Review status: criteria provided, multiple submitters, no conflicts (2 of 4 stars). 2 submissions from 2 submitters: Uncertain significance (2). Last evaluated 2025-05-16.

Conditions:
POLD1-related polyposis and colorectal cancer syndrome (CRCS10). Also called: Colorectal cancer, susceptibility to, 10; Colorectal cancer 10; COLORECTAL CANCER, SUSCEPTIBILITY TO, ON CHROMOSOME 19q. Identifiers: Orphanet 220460, MedGen C2675481, MONDO:0012953, OMIM 612591.
Hereditary cancer-predisposing syndrome. Also called: Tumor predisposition; Hereditary Cancer Syndrome; Hereditary neoplastic syndrome; Neoplastic Syndromes, Hereditary. Identifiers: Orphanet 140162, MedGen C0027672, MeSH D009386, MONDO:0015356.

gnomAD v4.1: 1 of 1,551,014 alleles (0.000064%); highest among the groups gnomAD compares: Non-Finnish European, 0.000087%; no homozygotes.

Submissions (2):

Ambry Genetics
Classification: Uncertain significance for Hereditary cancer-predisposing syndrome. Last evaluated: 2025-05-16. Review status: criteria provided, single submitter. Criteria: Ambry Variant Classification Scheme 2023. Collection method: clinical testing. Allele origin: germline.
Comment: The p.N1010K variant (also known as c.3030C>G), located in coding exon 23 of the POLD1 gene, results from a C to G substitution at nucleotide position 3030. The asparagine at codon 1010 is replaced by lysine, an amino acid with similar properties. This amino acid position is conserved. In addition, this alteration is predicted to be tolerated by in silico analysis. Based on the available evidence, the clinical significance of this variant remains unclear.

Labcorp Genetics (formerly Invitae), Labcorp
Classification: Uncertain significance for POLD1-related polyposis and colorectal cancer syndrome. Last evaluated: 2021-09-08. Review status: criteria provided, single submitter. Criteria: Invitae Variant Classification Sherloc (09022015). Collection method: clinical testing. Allele origin: germline.
Comment: This sequence change replaces asparagine with lysine at codon 1010 of the POLD1 protein (p.Asn1010Lys). The asparagine residue is weakly conserved and there is a moderate physicochemical difference between asparagine and lysine. The frequency data for this variant in the population databases is considered unreliable, as metrics indicate insufficient coverage at this position in the ExAC database. This variant has not been reported in the literature in individuals affected with POLD1-related conditions. Algorithms developed to predict the effect of missense changes on protein structure and function (SIFT, PolyPhen-2, Align-GVGD) all suggest that this variant is likely to be tolerated. In summary, the available evidence is currently insufficient to determine the role of this variant in disease. Therefore, it has been classified as a Variant of Uncertain Significance.

NM_002691.4(POLD1):c.3030C>G (p.Asn1010Lys)

Gene: POLD1 (DNA polymerase delta 1, catalytic subunit; plus strand). Cytogenetic location: 19q13.33.
Variant type: single nucleotide variant.
Coding change: c.3030C>G on transcript NM_002691.4 (MANE Select); coding-DNA position 3030, C replaced by G.
Protein change: p.Asn1010Lys; replaces asparagine 1010 with lysine.
Molecular consequence: missense variant. On other transcripts: non-coding transcript variant (1).
Genome position (GRCh38, 1-based): chr19:50,416,686, C>G. VCF-style: chr19-50416686-C-G. GRCh37 (hg19) VCF-style: chr19-50919943-C-G.
Other names: c.3030C>G (NM_002691.2); c.3030C>G, p.Asn1010Lys (NM_001256849.1); c.3108C>G, p.Asn1036Lys (NM_001308632.1); short protein forms N1036K, N1010K.
Identifiers: ClinVar variation 1380127 (VCV001380127.7), dbSNP rs1164845915, ClinGen allele CA406986954.